The following is an entry in ClinVar:

ClinVar aggregate classification (germline): Uncertain significance (1 of 4 stars; one submission).

Allele frequency attached by ClinVar (database versions not stated): gnomAD exomes below 0.00001.
gnomAD v4.1: 1 of 1,359,268 alleles (0.000074%); highest among the groups gnomAD compares: South Asian, 0.0018%; no homozygotes.

Submission:

Labcorp Genetics (formerly Invitae), Labcorp
Classification: Uncertain significance. Last evaluated: 2023-07-12. Review status: criteria provided, single submitter. Criteria: Invitae Variant Classification Sherloc (09022015). Collection method: clinical testing. Allele origin: germline.
Comment: This sequence change replaces proline, which is neutral and non-polar, with serine, which is neutral and polar, at codon 670 of the BCL11B protein (p.Pro670Ser). This variant is not present in population databases (gnomAD no frequency). This variant has not been reported in the literature in individuals affected with BCL11B-related conditions. An algorithm developed to predict the effect of missense changes on protein structure and function (PolyPhen-2) suggests that this variant is likely to be tolerated. In summary, the available evidence is currently insufficient to determine the role of this variant in disease. Therefore, it has been classified as a Variant of Uncertain Significance.

NM_138576.4(BCL11B):c.2008C>T (p.Pro670Ser)

Gene: BCL11B (BCL11 transcription factor B; minus strand). Cytogenetic location: 14q32.2.
Variant type: single nucleotide variant.
Coding change: c.2008C>T on transcript NM_138576.4 (MANE Select); coding-DNA position 2008, C replaced by T.
Protein change: p.Pro670Ser; replaces proline 670 with serine.
Molecular consequence: missense variant.
Genome position (GRCh38, 1-based): chr14:99,174,828, G>A on the plus strand (C>T on the coding strand, the complement: BCL11B is on the minus strand). VCF-style: chr14-99174828-G-A. GRCh37 (hg19) VCF-style: chr14-99641165-G-A.
Other names: c.2005C>T, p.Pro669Ser (NM_001282237.2); c.1792C>T, p.Pro598Ser (NM_001282238.2); c.1795C>T, p.Pro599Ser (NM_022898.3); short protein forms P598S, P599S, P669S, P670S.
Identifiers: ClinVar variation 2742704 (VCV002742704.3), dbSNP rs2503639934, ClinGen allele CA390934149.